The following is an entry in ClinVar:

NM_177438.3(DICER1):c.1377-13A>T

Gene: DICER1 (dicer 1, ribonuclease III; minus strand). Cytogenetic location: 14q32.13.
Variant type: single nucleotide variant.
Coding change: c.1377-13A>T on transcript NM_177438.3 (MANE Select); 13 bases into the intron before coding-DNA position 1377, A replaced by T.
Molecular consequence: intron variant.
Genome position (GRCh38, 1-based): chr14:95,117,767, T>A on the plus strand (A>T on the coding strand, the complement: DICER1 is on the minus strand). VCF-style: chr14-95117767-T-A. GRCh37 (hg19) VCF-style: chr14-95584104-T-A.
Other names: c.1377-13A>T (NM_001291628.2, NM_030621.4, NM_001395677.1 and 12 more transcripts); c.972-13A>T (NM_001395690.1, NM_001395687.1, NM_001395689.1 and 3 more transcripts); c.1095-13A>T (NM_001395686.1); c.810-13A>T (NM_001395691.1); c.-192-13A>T (NM_001395697.1).
Identifiers: ClinVar variation 4875952 (VCV004875952.1).
Genomic context (GRCh38, chr14:95,117,767, plus strand): 5'-CTGATATAAGCCAGCTCTGGATCTTGTTTGCCAGCTTCCTTTATCAATCTAAGAAAATTA[T>A]ACACATTTGGAAGTTAAACGTTGCTGAAAGAAAATAAACTTTTGTTTTTAAAGCCTCCTT-3'

ClinVar aggregate classification (germline): Likely benign (1 of 4 stars; one submission).

Conditions:
DICER1-related tumor predisposition. Also called: DICER1 syndrome; DICER1-related pleuropulmonary blastoma cancer predisposition syndrome. Identifiers: Orphanet 284343, MedGen C3839822, MONDO:0100216.

gnomAD v4.1: 1 of 1,613,466 alleles (0.000062%); highest among the groups gnomAD compares: Non-Finnish European, 0.000085%; no homozygotes.

Submission:

Myriad Genetics, Inc.
Classification: Likely benign for DICER1-related tumor predisposition. Last evaluated: 2026-04-13. Review status: criteria provided, single submitter. Criteria: Myriad Autosomal Dominant, Autosomal Recessive and X-Linked Classification Criteria (2023). Collection method: clinical testing. Allele origin: unknown.
Comment: This variant is considered likely benign. This variant is intronic and is not expected to impact mRNA splicing.